The following is an entry in ClinVar:

ClinVar aggregate classification (germline): Conflicting classifications of pathogenicity. Review status: criteria provided, conflicting classifications (1 of 4 stars). 6 submissions from 6 submitters: Uncertain significance (1); Benign (1); Likely benign (4). Last evaluated 2025-07-30.

Conditions:
Melanoma, uveal, susceptibility to, 2 (UVM2). Also called: Melanoma, uveal 2. Identifiers: Orphanet 39044, MedGen C1847723, MONDO:0011696, OMIM 606661.
BAP1-related tumor predisposition syndrome (TPDS1). Also called: Tumor susceptibility linked to germline BAP1 mutations; BAP1 tumor predisposition syndrome; COMMON Syndrome; TUMOR PREDISPOSITION SYNDROME 1. Identifiers: Orphanet 289539, MedGen C3280492, MONDO:0013692, OMIM 614327.
Hereditary cancer-predisposing syndrome. Also called: Hereditary Cancer Syndrome; Neoplastic Syndromes, Hereditary; Tumor predisposition; Hereditary neoplastic syndrome. Identifiers: Orphanet 140162, MedGen C0027672, MeSH D009386, MONDO:0015356.

Allele frequency attached by ClinVar (database versions not stated): gnomAD exomes below 0.00001.
gnomAD v4.1: 2 of 1,613,870 alleles (0.00012%); highest among the groups gnomAD compares: Middle Eastern, 0.016%; no homozygotes.

Submissions (6):

Labcorp Genetics (formerly Invitae), Labcorp
Classification: Likely benign for BAP1-related tumor predisposition syndrome. Last evaluated: 2025-07-30. Review status: criteria provided, single submitter. Criteria: Invitae Variant Classification Sherloc (09022015). Collection method: clinical testing. Allele origin: germline.

Myriad Genetics, Inc.
Classification: Benign for BAP1-related tumor predisposition syndrome. Last evaluated: 2024-07-15. Review status: criteria provided, single submitter. Criteria: Myriad Autosomal Dominant, Autosomal Recessive and X-Linked Classification Criteria (2023). Collection method: clinical testing. Allele origin: unknown.
Comment: This variant is considered benign. This variant is a silent/synonymous amino acid change and it is not expected to impact splicing.

KCCC/NGS Laboratory, Kuwait Cancer Control Center
Classification: Likely benign for Melanoma, uveal, susceptibility to, 2. Last evaluated: 2023-07-07. Review status: criteria provided, single submitter. Criteria: ACMG Guidelines, 2015. Collection method: clinical testing. Allele origin: germline. Affected: yes.

Ambry Genetics
Classification: Likely benign for Hereditary cancer-predisposing syndrome. Last evaluated: 2022-06-07. Review status: criteria provided, single submitter. Criteria: Ambry Variant Classification Scheme 2023. Collection method: clinical testing. Allele origin: germline.

Genetic Services Laboratory, University of Chicago
Classification: Uncertain significance. Last evaluated: 2020-02-05. Review status: criteria provided, single submitter. Criteria: ACMG Guidelines, 2015. Collection method: clinical testing. Allele origin: germline. Affected: no.

Color Diagnostics, LLC DBA Color Health
Classification: Likely benign for Hereditary cancer-predisposing syndrome. Last evaluated: 2016-12-12. Review status: criteria provided, single submitter. Criteria: ACMG Guidelines, 2015. Collection method: clinical testing. Allele origin: germline.

NM_004656.4(BAP1):c.675C>T (p.Asp225=)

Gene: BAP1 (BRCA1 associated deubiquitinase 1; minus strand). Cytogenetic location: 3p21.1.
Variant type: single nucleotide variant.
Coding change: c.675C>T on transcript NM_004656.4 (MANE Select); coding-DNA position 675, C replaced by T.
Protein change: p.Asp225=; no amino-acid change (aspartic acid 225 retained).
Molecular consequence: synonymous variant.
Genome position (GRCh38, 1-based): chr3:52,406,361, G>A on the plus strand (C>T on the coding strand, the complement: BAP1 is on the minus strand). VCF-style: chr3-52406361-G-A. GRCh37 (hg19) VCF-style: chr3-52440377-G-A.
Identifiers: ClinVar variation 490880 (VCV000490880.17), dbSNP rs961974192, ClinGen allele CA74743244.